The following is an entry in ClinVar:

ClinVar aggregate classification (germline): Conflicting classifications of pathogenicity. Review status: criteria provided, conflicting classifications (1 of 4 stars). 6 submissions from 6 submitters: Uncertain significance (1); Benign (1); Likely benign (3). 1 of the submissions does not count toward it. Last evaluated 2026-01-17.

Conditions:
SEC24D-related disorder. Also called: SEC24D-related condition.
Inborn genetic diseases. Identifiers: MedGen C0950123, MeSH D030342.

Allele frequency attached by ClinVar (database versions not stated): gnomAD exomes 0.00024 and 0.00070; ExAC 0.00089; 1000 Genomes Project 0.00220; gnomAD 0.00267 and 0.00287; TOPMed 0.00300; 1000 Genomes Project 30x 0.00312; ESP Exome Variant Server 0.00323.
gnomAD v4.1: 771 of 1,614,190 alleles (0.048%); highest among the groups gnomAD compares: African/African-American, 0.88%; 4 homozygotes.

Submissions (6):

Labcorp Genetics (formerly Invitae), Labcorp
Classification: Likely benign. Last evaluated: 2026-01-17. Review status: criteria provided, single submitter. Criteria: Invitae Variant Classification Sherloc (09022015). Collection method: clinical testing. Allele origin: germline.

Blueprint Genetics
Classification: Likely benign. Last evaluated: 2024-09-13. Review status: criteria provided, single submitter. Criteria: ACMG Guidelines, 2015. Collection method: clinical testing. Allele origin: germline.

Ambry Genetics
Classification: Uncertain significance for Inborn genetic diseases. Last evaluated: 2023-12-18. Review status: criteria provided, single submitter. Criteria: Ambry Variant Classification Scheme 2023. Collection method: clinical testing. Allele origin: germline.

CeGaT Center for Human Genetics Tuebingen
Classification: Likely benign. Last evaluated: 2023-04-01. Review status: criteria provided, single submitter. Criteria: CeGaT Center For Human Genetics Tuebingen Variant Classification Criteria Version 2. Collection method: clinical testing. Allele origin: germline. Affected: yes. Observed: 1 variant allele.
Comment: SEC24D: BP4, BS2

GeneDx
Classification: Benign. Last evaluated: 2020-10-21. Review status: criteria provided, single submitter. Criteria: GeneDx Variant Classification Process June 2021. Collection method: clinical testing. Allele origin: germline. Affected: yes.

PreventionGenetics, part of Exact Sciences
Classification: Benign for SEC24D-related condition. Last evaluated: 2019-09-23. Review status: no assertion criteria provided. Collection method: clinical testing. Allele origin: germline. Not counted in ClinVar's aggregate classification.
Comment: This variant is classified as benign based on ACMG/AMP sequence variant interpretation guidelines (Richards et al. 2015 PMID: 25741868, with internal and published modifications).

NM_014822.4(SEC24D):c.599C>T (p.Pro200Leu)

Gene: SEC24D (SEC24 homolog D, COPII component; minus strand). Cytogenetic location: 4q26.
Variant type: single nucleotide variant.
Coding change: c.599C>T on transcript NM_014822.4 (MANE Select); coding-DNA position 599, C replaced by T.
Protein change: p.Pro200Leu; replaces proline 200 with leucine.
Molecular consequence: missense variant.
Genome position (GRCh38, 1-based): chr4:118,815,525, G>A on the plus strand (C>T on the coding strand, the complement: SEC24D is on the minus strand). VCF-style: chr4-118815525-G-A. GRCh37 (hg19) VCF-style: chr4-119736680-G-A.
Other names: c.599C>T, p.Pro200Leu (NM_001318066.2); c.599C>T (NM_014822.2); short protein forms P200L.
Identifiers: ClinVar variation 715975 (VCV000715975.36), dbSNP rs114096530, ClinGen allele CA3057507.